The following is an entry in ClinVar:

NM_001386393.1(PANK2):c.493_494del (p.Leu165fs)

Gene: PANK2 (pantothenate kinase 2; plus strand). Cytogenetic location: 20p13.
Variant type: Microsatellite.
Coding change: c.493_494del on transcript NM_001386393.1 (MANE Select); coding-DNA positions 493 to 494, 2 bases deleted (CT; older notation c.493_494delCT).
Protein change: p.Leu165fs; shifts the reading frame from leucine 165.
Molecular consequence: frameshift variant. On other transcripts: 5 prime UTR variant (4), non-coding transcript variant (1).
Genome position (GRCh38, 1-based): chr20:3,908,120-3,908,121, CT deleted; deleting any 2 consecutive bases within chr20:3,908,118-3,908,121 gives the same sequence; the c. name uses the placement nearest the transcript's 3' end. VCF-style (leftmost placement, unchanged base first): chr20-3908117-ACT-A. GRCh37 (hg19) VCF-style: chr20-3888764-ACT-A.
Other names: c.823_824delCT (NM_153638.3); c.-345CT[1] (NM_001324193.2); c.-53CT[1] (NM_024960.6, NM_153640.4, NM_001324191.2); c.823_824del, p.Leu275fs (NM_153638.4, NM_001324192.1); short protein forms L275fs, L165fs.
Identifiers: ClinVar variation 862386 (VCV000862386.11), dbSNP rs750440690, ClinGen allele CA9750705.

ClinVar aggregate classification (germline): Pathogenic/Likely pathogenic. Review status: criteria provided, multiple submitters, no conflicts (2 of 4 stars). 3 submissions from 3 submitters: Pathogenic (2); Likely pathogenic (1). Last evaluated 2025-06-23.

Conditions:
Pigmentary pallidal degeneration (NBIA1). Also called: PKAN NEUROAXONAL DYSTROPHY, JUVENILE-ONSET; Pantothenate Kinase-Associated Neurodegeneration; Neuroaxonal dystrophy, late infantile; Hallervorden-Spatz disease; Neurodegeneration with brain iron accumulation 1; HARP SYNDROME. Identifiers: Orphanet 157850, MedGen C0018523, MONDO:0009319, OMIM 234200.

Submissions (3):

Labcorp Genetics (formerly Invitae), Labcorp
Classification: Pathogenic for Pigmentary pallidal degeneration. Last evaluated: 2025-06-23. Review status: criteria provided, single submitter. Criteria: Invitae Variant Classification Sherloc (09022015). Collection method: clinical testing. Allele origin: germline.
Comment: This sequence change creates a premature translational stop signal (p.Leu275Valfs*16) in the PANK2 gene. It is expected to result in an absent or disrupted protein product. Loss-of-function variants in PANK2 are known to be pathogenic (PMID: 11479594, 12510040). This variant is present in population databases (rs750440690, gnomAD 0.006%). This premature translational stop signal has been observed in individuals with pantothenate kinase–associated neurodegeneration(PKAN) (PMID: 12510040, 16437574, 22221393, 26828213). ClinVar contains an entry for this variant (Variation ID: 862386). Algorithms developed to predict the effect of sequence changes on RNA splicing suggest that this variant may disrupt the consensus splice site. For these reasons, this variant has been classified as Pathogenic.

Women's Health and Genetics/Laboratory Corporation of America, LabCorp
Classification: Pathogenic for Pigmentary pallidal degeneration. Last evaluated: 2023-06-12. Review status: criteria provided, single submitter. Criteria: LabCorp Variant Classification Summary - May 2015. Collection method: clinical testing. Allele origin: germline.
Comment: Variant summary: PANK2 c.823_824delCT (also known as c.821_822delCT, p.Leu275ValfsX16) results in a premature termination codon, predicted to cause a truncation of the encoded protein or absence of the protein due to nonsense mediated decay, which are commonly known mechanisms for disease. The variant allele was found at a frequency of 2e-05 in 251460 control chromosomes (gnomAD). c.823_824delCT has been reported in the literature as a biallelic genotype in individuals affected with Pantothenate Kinase-Associated Neurodegeneration (e.g. Hayflick_2003, Hartig_2006, Cangul_2009). These data indicate that the variant is likely to be associated with disease. To our knowledge, no experimental evidence demonstrating an impact on protein function has been reported. The following publications have been ascertained in the context of this evaluation (PMID: 19480328, 16437574, 12510040). One ClinVar submitter has assessed the variant since 2014: the variant was classified as pathogenic. Based on the evidence outlined above, the variant was classified as pathogenic.

Neuberg Centre For Genomic Medicine, NCGM
Classification: Likely pathogenic for Pigmentary pallidal degeneration. Review status: criteria provided, single submitter. Criteria: ACMG Guidelines, 2015. Collection method: clinical testing. Allele origin: germline. Inheritance: Autosomal recessive inheritance. Affected: yes.
Comment: The observed frameshift c.493_494del (p.Leu165ValfsTer16) variant in PANK2 gene has been reported previously in individuals affected with PANK2-related disorders (Hartig et al., 2006; Lee et al., 2016). The p.Leu165ValfsTer16 variant is present with allele frequency of 0.002% in gnomAD Exomes. This variant has been submitted to the ClinVar database as Pathogenic. This variant causes a frameshift starting with codon Leucine 165, changes this amino acid to Valine residue, and creates a premature Stop codon at position 16 of the new reading frame, denoted p.Leu165ValfsTer16. This variant is predicted to cause loss of normal protein function through protein truncation. Loss of function variants in PANK2 gene have been previously reported to be disease causing (Zhou et al., 2001). However, additional functional studies will be required to prove the pathogenicity of this variant. For these reasons, this variant has been classified as Likely Pathogenic.

Literature cited by the submitters: PubMed 11479594 (cited by Labcorp Genetics (formerly Invitae), Labcorp); PubMed 12510040 (cited by Labcorp Genetics (formerly Invitae), Labcorp and Women's Health and Genetics/Laboratory Corporation of America, LabCorp); PubMed 16437574 (cited by Labcorp Genetics (formerly Invitae), Labcorp and Women's Health and Genetics/Laboratory Corporation of America, LabCorp); PubMed 22221393 (cited by Labcorp Genetics (formerly Invitae), Labcorp); PubMed 26828213 (cited by Labcorp Genetics (formerly Invitae), Labcorp); PubMed 19480328 (cited by Women's Health and Genetics/Laboratory Corporation of America, LabCorp).